The following is an entry in ClinVar:

NM_000660.7(TGFB1):c.908G>A (p.Arg303His)

Gene: TGFB1 (transforming growth factor beta 1; minus strand). Cytogenetic location: 19q13.2.
Variant type: single nucleotide variant.
Coding change: c.908G>A on transcript NM_000660.7 (MANE Select); coding-DNA position 908, G replaced by A.
Protein change: p.Arg303His; replaces arginine 303 with histidine.
Molecular consequence: missense variant.
Genome position (GRCh38, 1-based): chr19:41,332,234, C>T on the plus strand (G>A on the coding strand, the complement: TGFB1 is on the minus strand). VCF-style: chr19-41332234-C-T. GRCh37 (hg19) VCF-style: chr19-41838139-C-T.
Other names: short protein forms R303H.
Identifiers: ClinVar variation 1990873 (VCV001990873.4), dbSNP rs775861573, ClinGen allele CA9459952.

ClinVar aggregate classification (germline): Uncertain significance (1 of 4 stars; one submission).

Allele frequency attached by ClinVar (database versions not stated): ExAC 0.00002; gnomAD 0.00003; TOPMed 0.00003.

Submission:

Labcorp Genetics (formerly Invitae), Labcorp
Classification: Uncertain significance. Last evaluated: 2025-12-03. Review status: criteria provided, single submitter. Criteria: Invitae Variant Classification Sherloc (09022015). Collection method: clinical testing. Allele origin: germline.
Comment: This sequence change replaces arginine, which is basic and polar, with histidine, which is basic and polar, at codon 303 of the TGFB1 protein (p.Arg303His). This variant is present in population databases (rs775861573, gnomAD 0.007%). This variant has not been reported in the literature in individuals affected with TGFB1-related conditions. ClinVar contains an entry for this variant (Variation ID: 1990873). Invitae Evidence Modeling of protein sequence and biophysical properties (such as structural, functional, and spatial information, amino acid conservation, physicochemical variation, residue mobility, and thermodynamic stability) has been performed for this missense variant. However, the output from this modeling did not meet the statistical confidence thresholds required to predict the impact of this variant on TGFB1 protein function. In summary, the available evidence is currently insufficient to determine the role of this variant in disease. Therefore, it has been classified as a Variant of Uncertain Significance.